The following is an entry in ClinVar:

ClinVar aggregate classification (germline): Uncertain significance (1 of 4 stars; one submission).

gnomAD v4.1: 1 of 1,613,954 alleles (0.000062%); highest among the groups gnomAD compares: African/African-American, 0.0013%; no homozygotes.

Submission:

Labcorp Genetics (formerly Invitae), Labcorp
Classification: Uncertain significance. Last evaluated: 2023-09-15. Review status: criteria provided, single submitter. Criteria: Invitae Variant Classification Sherloc (09022015). Collection method: clinical testing. Allele origin: germline.
Comment: In summary, the available evidence is currently insufficient to determine the role of this variant in disease. Therefore, it has been classified as a Variant of Uncertain Significance. Experimental studies and prediction algorithms are not available or were not evaluated, and the functional significance of this variant is currently unknown. ClinVar contains an entry for this variant (Variation ID: 2085922). This variant has not been reported in the literature in individuals affected with ARMC9-related conditions. This variant is not present in population databases (gnomAD no frequency). This sequence change replaces glutamine, which is neutral and polar, with lysine, which is basic and polar, at codon 373 of the ARMC9 protein (p.Gln373Lys).

NM_001352754.2(ARMC9):c.1117C>A (p.Gln373Lys)

Gene: ARMC9 (armadillo repeat containing 9; plus strand). Cytogenetic location: 2q37.1.
Variant type: single nucleotide variant.
Coding change: c.1117C>A on transcript NM_001352754.2 (MANE Select); coding-DNA position 1117, C replaced by A.
Protein change: p.Gln373Lys; replaces glutamine 373 with lysine.
Molecular consequence: missense variant. On other transcripts: non-coding transcript variant (1).
Genome position (GRCh38, 1-based): chr2:231,262,396, C>A. VCF-style: chr2-231262396-C-A. GRCh37 (hg19) VCF-style: chr2-232127109-C-A.
Other names: c.1117C>A, p.Gln373Lys (NM_001271466.4, NM_001291656.2, NM_001352755.2 and 3 more transcripts); c.1018C>A, p.Gln340Lys (NM_001352757.2, NM_001352758.2); short protein forms Q340K, Q373K.
Identifiers: ClinVar variation 2085922 (VCV002085922.4), dbSNP rs2038452364, ClinGen allele CA350956445.
Genomic context (GRCh38, chr2:231,262,396, plus strand): 5'-AGGGAGACCGTTCTGCAAGCCTACATCAGCAATGACCTCTTGGACTGTTATAGCCACAAC[C>A]AGGTTGGTAAGAGGTGGGGCCAGATCCCAGCCAGGGCCTTCAATTCTAGGGAATGATCTT-3'
Protein context (NP_001339683.2, residues 363-383): NDLLDCYSHN[Gln373Lys]RSVLQLLHST